The following is an entry in ClinVar:

NM_032802.4(SPPL2A):c.1204del (p.Leu402fs)

Gene: SPPL2A (signal peptide peptidase like 2A; minus strand). Cytogenetic location: 15q21.2.
Variant type: Deletion.
Coding change: c.1204del on transcript NM_032802.4 (MANE Select); coding-DNA position 1204, one base deleted (C; older notation c.1204delC).
Protein change: p.Leu402fs; shifts the reading frame from leucine 402.
Molecular consequence: frameshift variant.
Genome position (GRCh38, 1-based): chr15:50,725,266, G deleted on the plus strand (C on the coding strand, the reverse complement: SPPL2A is on the minus strand); the first of 2 consecutive G bases (chr15:50,725,266-50,725,267); deleting either gives the same sequence. VCF-style (leftmost placement, unchanged base first): chr15-50725265-AG-A. GRCh37 (hg19) VCF-style: chr15-51017462-AG-A.
Other names: short protein forms L402fs.
Identifiers: ClinVar variation 2843444 (VCV002843444.3), dbSNP rs2542806794, ClinGen allele CA2739269497.

ClinVar aggregate classification (germline): Uncertain significance (1 of 4 stars; one submission).

Submission:

Labcorp Genetics (formerly Invitae), Labcorp
Classification: Uncertain significance. Last evaluated: 2023-03-07. Review status: criteria provided, single submitter. Criteria: Invitae Variant Classification Sherloc (09022015). Collection method: clinical testing. Allele origin: germline.
Comment: In summary, the available evidence is currently insufficient to determine the role of this variant in disease. Therefore, it has been classified as a Variant of Uncertain Significance. This variant has not been reported in the literature in individuals affected with SPPL2A-related conditions. This variant is not present in population databases (gnomAD no frequency). This sequence change creates a premature translational stop signal (p.Leu402Serfs*18) in the SPPL2A gene. It is expected to result in an absent or disrupted protein product. However, the current clinical and genetic evidence is not sufficient to establish whether loss-of-function variants in SPPL2A cause disease.